The following is an entry in ClinVar:

NM_006005.3(WFS1):c.2140A>G (p.Asn714Asp)

Gene: WFS1 (wolframin ER transmembrane glycoprotein; plus strand). Cytogenetic location: 4p16.1.
Variant type: single nucleotide variant.
Coding change: c.2140A>G on transcript NM_006005.3 (MANE Select); coding-DNA position 2140, A replaced by G.
Protein change: p.Asn714Asp; replaces asparagine 714 with aspartic acid.
Molecular consequence: missense variant.
Genome position (GRCh38, 1-based): chr4:6,301,935, A>G. VCF-style: chr4-6301935-A-G. GRCh37 (hg19) VCF-style: chr4-6303662-A-G.
Other names: c.2140A>G, p.Asn714Asp (NM_001145853.1); short protein forms N714D.
Identifiers: ClinVar variation 1056937 (VCV001056937.9), dbSNP rs2109127066, ClinGen allele CA356177855.
Genomic context (GRCh38, chr4:6,301,935, plus strand): 5'-GAGGGCCACAGGGTCACGTGGACCGGCCGCTTCAAGTACGTCCGCGTGACTGACATCGAC[A>G]ACAGCGCCGAGTCTGCCATCAACATGCTCCCGTTCTTCATCGGCGACTGGATGCGCTGCC-3'
Protein context (NP_005996.2, residues 704-724): FKYVRVTDID[Asn714Asp]SAESAINMLP

ClinVar aggregate classification (germline): Uncertain significance (1 of 4 stars; one submission).

Submission:

Labcorp Genetics (formerly Invitae), Labcorp
Classification: Uncertain significance. Last evaluated: 2022-11-26. Review status: criteria provided, single submitter. Criteria: Invitae Variant Classification Sherloc (09022015). Collection method: clinical testing. Allele origin: germline.
Comment: Advanced modeling of protein sequence and biophysical properties (such as structural, functional, and spatial information, amino acid conservation, physicochemical variation, residue mobility, and thermodynamic stability) has been performed at Invitae for this missense variant, however the output from this modeling did not meet the statistical confidence thresholds required to predict the impact of this variant on WFS1 protein function. ClinVar contains an entry for this variant (Variation ID: 1056937). This variant has not been reported in the literature in individuals affected with WFS1-related conditions. This variant is not present in population databases (gnomAD no frequency). This sequence change replaces asparagine, which is neutral and polar, with aspartic acid, which is acidic and polar, at codon 714 of the WFS1 protein (p.Asn714Asp). In summary, the available evidence is currently insufficient to determine the role of this variant in disease. Therefore, it has been classified as a Variant of Uncertain Significance.